The following is an entry in ClinVar:

NM_017950.4(CCDC40):c.2958C>T (p.Leu986=)

Gene: CCDC40 (coiled-coil domain 40 molecular ruler complex subunit; plus strand). Cytogenetic location: 17q25.3.
Variant type: single nucleotide variant.
Coding change: c.2958C>T on transcript NM_017950.4 (MANE Select); coding-DNA position 2958, C replaced by T.
Protein change: p.Leu986=; no amino-acid change (leucine 986 retained).
Molecular consequence: synonymous variant.
Genome position (GRCh38, 1-based): chr17:80,095,388, C>T. VCF-style: chr17-80095388-C-T. GRCh37 (hg19) VCF-style: chr17-78069187-C-T.
Identifiers: ClinVar variation 241241 (VCV000241241.44), dbSNP rs78945041, ClinGen allele CA8814560.
Genomic context (GRCh38, chr17:80,095,388, plus strand): 5'-CCGCAGAGAGACCGTCACCACCCAGGCCGAGGGGCAGCGCAAGATGGACAGGAAGGCGCT[C>T]ACCCGCACCGACTTCCACCACAAGCAGCTTGAGCTGCGCCGGAAAATCAGGGACGTTCGC-3'
Protein context (NP_060420.2, residues 976-996): EGQRKMDRKA[Leu986=]TRTDFHHKQL

ClinVar aggregate classification (germline): Conflicting classifications of pathogenicity. Review status: criteria provided, conflicting classifications (1 of 4 stars). 7 submissions from 7 submitters: Uncertain significance (1); Benign (1); Likely benign (5). Last evaluated 2026-02-03.

Conditions:
Primary ciliary dyskinesia. Also called: Ciliary dyskinesia. Identifiers: Orphanet 244, MedGen C0008780, MONDO:0016575, HP:0012265.
Primary ciliary dyskinesia 15. Also called: CILIARY DYSKINESIA, PRIMARY, 15, WITH OR WITHOUT SITUS INVERSUS. Identifiers: Orphanet 244, MedGen C3151137, MONDO:0013435, OMIM 613808.

Allele frequency attached by ClinVar (database versions not stated): 1000 Genomes Project 0.00020; 1000 Genomes Project 30x 0.00047; gnomAD 0.00066 and 0.00076; ESP Exome Variant Server 0.00070; TOPMed 0.00073; gnomAD exomes 0.00082 and 0.00104; ExAC 0.00159.
gnomAD v4.1: 1,298 of 1,614,114 alleles (0.08%); highest among the groups gnomAD compares: Non-Finnish European, 0.099%; 2 homozygotes.

Submissions (7):

Labcorp Genetics (formerly Invitae), Labcorp
Classification: Benign for Primary ciliary dyskinesia. Last evaluated: 2026-02-03. Review status: criteria provided, single submitter. Criteria: Invitae Variant Classification Sherloc (09022015). Collection method: clinical testing. Allele origin: germline.

Blueprint Genetics
Classification: Likely benign. Last evaluated: 2024-11-07. Review status: criteria provided, single submitter. Criteria: ACMG Guidelines, 2015. Collection method: clinical testing. Allele origin: germline.

ARUP Laboratories, Molecular Genetics and Genomics, ARUP Laboratories
Classification: Likely benign for Primary ciliary dyskinesia 15. Last evaluated: 2024-07-25. Review status: criteria provided, single submitter. Criteria: ARUP Molecular Germline Variant Investigation Process 2024. Collection method: clinical testing. Allele origin: germline.

CeGaT Center for Human Genetics Tuebingen
Classification: Likely benign. Last evaluated: 2023-02-01. Review status: criteria provided, single submitter. Criteria: CeGaT Center For Human Genetics Tuebingen Variant Classification Criteria Version 2. Collection method: clinical testing. Allele origin: germline. Affected: yes. Observed: 1 variant allele.
Comment: CCDC40: BP4, BP7

Illumina Laboratory Services, Illumina
Classification: Uncertain significance for Primary ciliary dyskinesia 15. Last evaluated: 2018-01-13. Review status: criteria provided, single submitter. Criteria: ICSL Variant Classification Criteria 13 December 2019. Collection method: clinical testing. Allele origin: germline.

Ambry Genetics
Classification: Likely benign for Primary ciliary dyskinesia. Last evaluated: 2017-09-06. Review status: criteria provided, single submitter. Criteria: Ambry Variant Classification Scheme 2023. Collection method: clinical testing. Allele origin: germline.

PreventionGenetics, part of Exact Sciences
Classification: Likely benign. Review status: criteria provided, single submitter. Criteria: ACMG Guidelines, 2015. Collection method: clinical testing. Allele origin: germline.